The following is an entry in ClinVar:

ClinVar aggregate classification (germline): Conflicting classifications of pathogenicity. Review status: criteria provided, conflicting classifications (1 of 4 stars). 4 submissions from 4 submitters: Likely pathogenic (3); Uncertain significance (1). Last evaluated 2025-08-11.

Conditions:
Familial thoracic aortic aneurysm and aortic dissection (TAAD). Also called: Thoracic aortic aneurysms and dissections. Identifiers: Orphanet 91387, MedGen C4707243, MONDO:0019625.
Ehlers-Danlos syndrome, type 4 (EDSVASC). Also called: Ehlers-Danlos syndrome vascular type; Ehlers Danlos syndrome, ecchymotic type; Ehlers Danlos syndrome, arterial type; Ehlers Danlos syndrome, Sack-Barabas type; Ehlers-Danlos Syndrome Type IV. Identifiers: Orphanet 286, MedGen C0268338, MONDO:0017314, OMIM 130050.

Allele frequency attached by ClinVar (database versions not stated): gnomAD 0.00003.
gnomAD v4.1: 1 of 1,614,024 alleles (0.000062%); no homozygotes.

Submissions (4):

Color Diagnostics, LLC DBA Color Health
Classification: Likely pathogenic for Familial thoracic aortic aneurysm and aortic dissection. Last evaluated: 2025-08-11. Review status: criteria provided, single submitter. Criteria: ACMG Guidelines, 2015. Collection method: clinical testing. Allele origin: germline.
Comment: This variant alters the canonical splice donor position in intron 21 of the COL3A1 gene. Computational splicing tools predict that this variant may have a significant impact on RNA splicing. Although RNA study has not been reported, this variant is expected to result in a disrupted protein product. To our knowledge, This variant has not been reported in individuals affected with cardiovascular disorders in the literature. This variant has been identified in 1/31400 chromosomes in the general population by the Genome Aggregation Database (gnomAD). Loss of COL3A1 function is a known mechanism of disease. Based on available evidence, this variant is classified as Likely Pathogenic. This variant creates an alternative donor site beginning with a GC dinucleotide. Some GC donor sites have been shown to generate variable levels of wild-type transcript (PMID: 31131953). Hence, this variant could be less penetrant than a conventional splice donor site loss variant.

Ambry Genetics
Classification: Uncertain significance for Familial thoracic aortic aneurysm and aortic dissection. Last evaluated: 2025-06-12. Review status: criteria provided, single submitter. Criteria: Ambry Variant Classification Scheme 2023. Collection method: clinical testing. Allele origin: germline.
Comment: The c.1509+2T>C intronic variant results from a T to C substitution two nucleotides after coding exon 21 in the COL3A1 gene. This variant has been reported in a biobank cohort and a medical record review cohort (Zouk et al. Am J Hum Genet, 2019 Sep;105:588-605; Sherafati A et al. Genet Med, 2022 Oct;24:2123-2133). This nucleotide position is highly conserved in available vertebrate species. In silico splice site analysis predicts that this alteration may weaken the native splice donor site. Alterations that disrupt the canonical splice site are expected to cause aberrant splicing, resulting in an abnormal protein or a transcript that is subject to nonsense-mediated mRNA decay; however, +2T>C alterations are capable of generating wild-type transcripts in some genomic contexts and should be interpreted with caution (Lin JH et al. Hum Mutat. 2019 10;40:1856-1873). Based on the available evidence, the clinical significance of this alteration remains unclear.

Labcorp Genetics (formerly Invitae), Labcorp
Classification: Likely pathogenic for Ehlers-Danlos syndrome, type 4. Last evaluated: 2022-08-30. Review status: criteria provided, single submitter. Criteria: Invitae Variant Classification Sherloc (09022015). Collection method: clinical testing. Allele origin: germline.
Comment: In summary, the currently available evidence indicates that the variant is pathogenic, but additional data are needed to prove that conclusively. Therefore, this variant has been classified as Likely Pathogenic. Algorithms developed to predict the effect of sequence changes on RNA splicing suggest that this variant may disrupt the consensus splice site. ClinVar contains an entry for this variant (Variation ID: 517434). This variant has not been reported in the literature in individuals affected with COL3A1-related conditions. This variant is not present in population databases (gnomAD no frequency). This sequence change affects a donor splice site in intron 21 of the COL3A1 gene. It is expected to disrupt RNA splicing. Variants that disrupt the donor or acceptor splice site typically lead to a loss of protein function (PMID: 16199547), and loss-of-function variants in COL3A1 are known to be pathogenic (PMID: 24922459).

Laboratory for Molecular Medicine, Mass General Brigham Personalized Medicine
Classification: Likely pathogenic for Ehlers-Danlos syndrome, type 4. Last evaluated: 2017-10-09. Review status: criteria provided, single submitter. Criteria: LMM Criteria. Collection method: clinical testing. Allele origin: germline. Inheritance: Autosomal dominant inheritance. Observed: 1 variant allele.
Comment: The c.1509+2T>C variant in COL3A1 has not been previously reported in individual s with Ehlers-Danlos syndrome (EDS) type IV (vascular type) or in large populati on studies. This variant occurs in the invariant region (+/- 1,2) of the splice consensus sequence and is predicted to cause altered splicing leading to an abno rmal or absent protein. The spectrum of reported pathogenic COL3A1 variants incl udes splice variants with genotype-phenotype correlations showing a more severe effect when the effect is exon skipping (versus loss of function, which is assoc iated with a milder presentation: Pepin 2015, GeneReviews.). In summary, although additional studies are required to fully establish its clinical significance, the c.1509+2T>C variant is likely pa thogenic.

Literature cited by the submitters: PubMed 31131953 (cited by Color Diagnostics, LLC DBA Color Health); PubMed 31447099 (cited by Ambry Genetics); PubMed 35943490 (cited by Ambry Genetics); PubMed 16199547 (cited by Labcorp Genetics (formerly Invitae), Labcorp); PubMed 24922459 (cited by Labcorp Genetics (formerly Invitae), Labcorp).

NM_000090.4(COL3A1):c.1509+2T>C

Gene: COL3A1 (collagen type III alpha 1 chain; plus strand). Cytogenetic location: 2q32.2.
Variant type: single nucleotide variant.
Coding change: c.1509+2T>C on transcript NM_000090.4 (MANE Select); the canonical splice donor site of the intron after coding-DNA position 1509, T replaced by C.
Molecular consequence: splice donor variant.
Genome position (GRCh38, 1-based): chr2:188,995,101, T>C. VCF-style: chr2-188995101-T-C. GRCh37 (hg19) VCF-style: chr2-189859827-T-C.
Identifiers: ClinVar variation 517434 (VCV000517434.14), dbSNP rs1553508039, ClinGen allele CA349852078.
Genomic context (GRCh38, chr2:188,995,101, plus strand): 5'-TTCAGGGTGCCCCTGGGTTCCGAGGACCTGCTGGACCAAATGGCATCCCAGGAGAAAAGG[T>C]AGATAACTTTAGTTTCTATGTTCCTAAATGCTAGCACCACAAATGGGCAGTTCTTGTATA-3'